The following is an entry in ClinVar:

NM_001348716.2(KDM6B):c.362A>G (p.His121Arg)

Gene: KDM6B (lysine demethylase 6B; plus strand). Cytogenetic location: 17p13.1.
Variant type: single nucleotide variant.
Coding change: c.362A>G on transcript NM_001348716.2 (MANE Select); coding-DNA position 362, A replaced by G.
Protein change: p.His121Arg; replaces histidine 121 with arginine.
Molecular consequence: missense variant.
Genome position (GRCh38, 1-based): chr17:7,846,203, A>G. VCF-style: chr17-7846203-A-G. GRCh37 (hg19) VCF-style: chr17-7749521-A-G.
Other names: c.362A>G, p.His121Arg (NM_001080424.2); short protein forms H121R.
Identifiers: ClinVar variation 4850839 (VCV004850839.1).

ClinVar aggregate classification (germline): Uncertain significance (1 of 4 stars; one submission).

Submission:

Greenwood Genetic Center Diagnostic Laboratories, Greenwood Genetic Center
Classification: Uncertain significance. Last evaluated: 2025-03-28. Review status: criteria provided, single submitter. Criteria: ACMG Guidelines, 2015. Collection method: clinical testing. Allele origin: germline.
Comment: PM2, BP4